The following is an entry in ClinVar:

ClinVar aggregate classification (germline): Conflicting classifications of pathogenicity. Review status: criteria provided, conflicting classifications (1 of 4 stars). 2 submissions from 2 submitters: Uncertain significance (1); Likely benign (1). Last evaluated 2025-04-18.

Conditions:
Neuromuscular disease caused by qualitative or quantitative defects of dysferlin. Also called: Dysferlinopathy; Qualitative or quantitative defects of dysferlin. Identifiers: Orphanet 207073, MedGen C2931687, MONDO:0016145.
Inborn genetic diseases. Identifiers: MedGen C0950123, MeSH D030342.

Allele frequency attached by ClinVar (database versions not stated): gnomAD 0.00002; TOPMed 0.00002.
gnomAD v4.1: 3 of 1,614,004 alleles (0.00019%); highest among the groups gnomAD compares: African/African-American, 0.004%; no homozygotes.

Submissions (2):

Ambry Genetics
Classification: Likely benign for Inborn genetic diseases. Last evaluated: 2025-04-18. Review status: criteria provided, single submitter. Criteria: Ambry Variant Classification Scheme 2023. Collection method: clinical testing. Allele origin: germline.

Labcorp Genetics (formerly Invitae), Labcorp
Classification: Uncertain significance for Neuromuscular disease caused by qualitative or quantitative defects of dysferlin. Last evaluated: 2022-01-21. Review status: criteria provided, single submitter. Criteria: Invitae Variant Classification Sherloc (09022015). Collection method: clinical testing. Allele origin: germline.
Comment: In summary, the available evidence is currently insufficient to determine the role of this variant in disease. Therefore, it has been classified as a Variant of Uncertain Significance. Advanced modeling of protein sequence and biophysical properties (such as structural, functional, and spatial information, amino acid conservation, physicochemical variation, residue mobility, and thermodynamic stability) performed at Invitae indicates that this missense variant is not expected to disrupt DYSF protein function. This variant has not been reported in the literature in individuals affected with DYSF-related conditions. This variant is not present in population databases (gnomAD no frequency). This sequence change replaces threonine, which is neutral and polar, with alanine, which is neutral and non-polar, at codon 339 of the DYSF protein (p.Thr339Ala).

NM_001130987.2(DYSF):c.1111A>G (p.Thr371Ala)

Gene: DYSF (dysferlin; plus strand). Cytogenetic location: 2p13.2.
Variant type: single nucleotide variant.
Coding change: c.1111A>G on transcript NM_001130987.2 (MANE Select); coding-DNA position 1111, A replaced by G.
Protein change: p.Thr371Ala; replaces threonine 371 with alanine.
Molecular consequence: missense variant.
Genome position (GRCh38, 1-based): chr2:71,520,866, A>G. VCF-style: chr2-71520866-A-G. GRCh37 (hg19) VCF-style: chr2-71747996-A-G.
Other names: c.1018A>G, p.Thr340Ala (NM_001130455.2, NM_001130983.2, NM_001130984.2 and 1 more transcripts); c.1015A>G, p.Thr339Ala (NM_001130976.2, NM_001130977.2, NM_001130978.2 and 1 more transcripts); c.1108A>G, p.Thr370Ala (NM_001130979.2, NM_001130980.2, NM_001130981.2); c.1111A>G, p.Thr371Ala (NM_001130982.2, NM_001130985.2); c.1015A>G (NM_003494.3); short protein forms T340A, T370A, T339A, T371A.
Identifiers: ClinVar variation 2185227 (VCV002185227.3), dbSNP rs1049651735, ClinGen allele CA49763095.
Genomic context (GRCh38, chr2:71,520,866, plus strand): 5'-AAGTGGCTGCTGCTCTCAGACCCTGATGACTTCTCTGCTGGGGCCAGAGGCTACCTGAAA[A>G]CAAGCCTTTGTGTGCTGGGGCCTGGGGACGAAGCGCCTGTGAGTACATTTCCCTGGGTCT-3'
Protein context (NP_001124459.1, residues 361-381): FSAGARGYLK[Thr371Ala]SLCVLGPGDE